The following is an entry in ClinVar:

NM_000454.5(SOD1):c.43G>C (p.Val15Leu)

Genes: SOD1 (superoxide dismutase 1; plus strand), SOD1-DT (SOD1 divergent transcript; minus strand). Cytogenetic location: 21q22.11.
Variant type: single nucleotide variant.
Coding change: c.43G>C on transcript NM_000454.5 (MANE Select); coding-DNA position 43, G replaced by C.
Protein change: p.Val15Leu; replaces valine 15 with leucine.
Molecular consequence: missense variant.
Genome position (GRCh38, 1-based): chr21:31,659,812, G>C. VCF-style: chr21-31659812-G-C. GRCh37 (hg19) VCF-style: chr21-33032125-G-C.
Other names: p.Val15Leu; short protein forms V15L.
Identifiers: ClinVar variation 1514873 (VCV001514873.7), dbSNP rs1568807400, ClinGen allele CA410036007.

ClinVar aggregate classification (germline): Pathogenic/Likely pathogenic. Review status: criteria provided, multiple submitters, no conflicts (2 of 4 stars). 3 submissions from 3 submitters: Pathogenic (1); Likely pathogenic (2). Last evaluated 2025-04-17.

Conditions:
Amyotrophic lateral sclerosis type 1 (ALS1). Also called: AMYOTROPHIC LATERAL SCLEROSIS 1, FAMILIAL. Identifiers: Orphanet 803, MedGen C1862939, MONDO:0007103, OMIM 105400.

Submissions (3):

Human Genome Lab, NIMHANS, National Institute of Mental Health and Neuro Sciences
Classification: Pathogenic for Amyotrophic lateral sclerosis type 1. Last evaluated: 2025-04-17. Review status: criteria provided, single submitter. Criteria: ACMG Guidelines, 2015. Collection method: clinical testing. Allele origin: germline. Inheritance: Autosomal dominant inheritance. Affected: yes. Observed: 1 heterozygote.
Comment: The SOD1 gene encodes superoxide dismutase-1, a cytoplasmic antioxidant enzyme that metabolizes superoxide radicals to molecular oxygen and hydrogen peroxide, thus providing a defense against oxygen toxicity. The genomic variant c.43G>C (p.Val15Leu, rs1568807400) in the SOD1 gene is a missense variant that results in the substitution of valine with leucine at the 15th amino acid position of the SOD1 protein.

Neuberg Centre For Genomic Medicine, NCGM
Classification: Likely pathogenic for Amyotrophic lateral sclerosis type 1. Last evaluated: 2023-02-14. Review status: criteria provided, single submitter. Criteria: ACMG Guidelines, 2015. Collection method: clinical testing. Allele origin: germline. Inheritance: Autosomal recessive inheritance. Affected: yes.
Comment: The missense c.43G>C(p.Val15Leu) variant in SOD1 gene has not been reported previously as a pathogenic variant nor a benign variant, to our knowledge. The p.Val15Leu variant is novel (not in any individuals) in gnomAD Exomes and 1000 Genomes. This variant has been reported to the ClinVar database as Likely Pathogenic. Another pathogenic variant in SOD1 gene [c.124T>G (p.Val14Gly) in the same residue has been reported in individual(s) affected with Amyotrophic lateral sclerosis (Andersen PM, et. al., 1997). The amino acid change p.Val15Leu in SOD1 is predicted as conserved by GERP++ and PhyloP across 100 vertebrates. The amino acid Val at position 15 is changed to a Leu changing protein sequence and it might alter its composition and physico-chemical properties. For these reasons, this variant has been classified as Likely Pathogenic.

Labcorp Genetics (formerly Invitae), Labcorp
Classification: Likely pathogenic for Amyotrophic lateral sclerosis type 1. Last evaluated: 2021-08-19. Review status: criteria provided, single submitter. Criteria: Invitae Variant Classification Sherloc (09022015). Collection method: clinical testing. Allele origin: germline.
Comment: In summary, the currently available evidence indicates that the variant is pathogenic, but additional data are needed to prove that conclusively. Therefore, this variant has been classified as Likely Pathogenic. This variant disrupts the p.Val15 amino acid residue in SOD1. Other variant(s) that disrupt this residue have been determined to be pathogenic (PMID: 9365366; Invitae). This suggests that this residue is clinically significant, and that variants that disrupt this residue are likely to be disease-causing. Advanced modeling of protein sequence and biophysical properties (such as structural, functional, and spatial information, amino acid conservation, physicochemical variation, residue mobility, and thermodynamic stability) performed at Invitae indicates that this missense variant is expected to disrupt SOD1 protein function. This variant has not been reported in the literature in individuals affected with SOD1-related conditions. This variant is not present in population databases (ExAC no frequency). This sequence change replaces valine with leucine at codon 15 of the SOD1 protein (p.Val15Leu). The valine residue is moderately conserved and there is a small physicochemical difference between valine and leucine.

Literature cited by the submitters: PubMed 9365366 (cited by Labcorp Genetics (formerly Invitae), Labcorp).